The following is an entry in ClinVar:

ClinVar aggregate classification (germline): Uncertain significance. Review status: criteria provided, multiple submitters, no conflicts (2 of 4 stars). 2 submissions from 2 submitters: Uncertain significance (2). Last evaluated 2024-08-23.

Conditions:
Intellectual developmental disorder, X-linked 1. Also called: MENTAL RETARDATION, X-LINKED 18; MENTAL RETARDATION, X-LINKED 78; Intellectual disability, X-linked 1; Atkin Flaitz Patil Smith syndrome. Identifiers: Orphanet 777, MedGen C2931498, MONDO:0010656, OMIM 309530.

Submissions (2):

GeneDx
Classification: Uncertain significance. Last evaluated: 2024-08-23. Review status: criteria provided, single submitter. Criteria: GeneDx Variant Classification Process June 2021. Collection method: clinical testing. Allele origin: germline. Affected: yes.
Comment: In-frame deletion of 2 amino acids and insertion 1 amino acid in a non-repeat region; Not observed at significant frequency in large population cohorts (gnomAD); In silico analysis indicates that this variant does not alter protein structure/function; Has not been previously published as pathogenic or benign to our knowledge

Labcorp Genetics (formerly Invitae), Labcorp
Classification: Uncertain significance for Intellectual developmental disorder, X-linked 1. Last evaluated: 2021-09-17. Review status: criteria provided, single submitter. Criteria: Invitae Variant Classification Sherloc (09022015). Collection method: clinical testing. Allele origin: germline.

NM_001111125.3(IQSEC2):c.3944_3946del (p.Pro1315_Val1316delinsLeu)

Gene: IQSEC2 (IQ motif and Sec7 domain ArfGEF 2; minus strand). Cytogenetic location: Xp11.22.
Variant type: Deletion.
Coding change: c.3944_3946del on transcript NM_001111125.3 (MANE Select); coding-DNA positions 3944 to 3946, 3 bases deleted (CTG; older notation c.3944_3946delCTG).
Protein change: p.Pro1315_Val1316delinsLeu.
Molecular consequence: inframe indel. On other transcripts: 3 prime UTR variant (1).
Genome position (GRCh38, 1-based): chrX:53,234,740-53,234,742, CAG deleted on the plus strand (CTG on the coding strand, the reverse complement: IQSEC2 is on the minus strand). VCF-style (leftmost placement, unchanged base first): chrX-53234739-ACAG-A. GRCh37 (hg19) VCF-style: chrX-53263921-ACAG-A.
Other names: c.*429_*431del (NM_015075.2); c.3944_3946del (NM_001111125.1).
Identifiers: ClinVar variation 579000 (VCV000579000.5), dbSNP rs1569291523, ClinGen allele CA891844508.